The following is an entry in ClinVar:

ClinVar aggregate classification (germline): Likely pathogenic (1 of 4 stars; one submission).

Submission:

GeneDx
Classification: Likely pathogenic. Last evaluated: 2017-07-03. Review status: criteria provided, single submitter. Criteria: GeneDx Variant Classification (06012015). Collection method: clinical testing. Allele origin: germline. Affected: yes.
Comment: A variant that is likely pathogenic has also been identified in the LAMA2 gen. The c.397-35_397del36 variant has not been published as a pathogenic variant, nor has it been reported as a benign variant to our knowledge. The c.397-35_397del36 variant is not observed in large population cohorts (Lek et al., 2016; 1000 Genomes Consortium et al., 2015; Exome Variant Server). This variant results in the deletion of 36 nucleotides at the intron 3/exon 4 boundary including the splice acceptor site. Several in-silico splice prediction models predict that the canonical splice acceptor site for intron 3 is destroyed. However, in the absence of RNA/functional studies, the actual effect of this sequence change in this individual is unknown. Therefore, this variant is likely pathogenic; however, the possibility that it is benign cannot be excluded.

NM_000426.4(LAMA2):c.397-35_397del

Gene: LAMA2 (laminin subunit alpha 2; plus strand). Cytogenetic location: 6q22.33.
Variant type: Deletion.
Coding change: c.397-35_397del on transcript NM_000426.4 (MANE Select); 35 bases into the intron before coding-DNA position 397 through coding-DNA position 397, 36 bases deleted.
Molecular consequence: splice acceptor variant.
Genome position (GRCh38, 1-based): chr6:129,098,138-129,098,173, 36 bases deleted; deleting any 36 consecutive bases within chr6:129,098,136-129,098,173 gives the same sequence; the c. name uses the placement nearest the transcript's 3' end. GRCh37 (hg19): chr6:129,419,283-129,419,318.
Other names: c.397-35_397delAATTCAATGTTATTGTTGTTGTTATACTTCCCTAGG (NM_000426.3); c.397-35_397del (NM_001079823.2); c.397-35_397del36 (NM_000426.3).
Identifiers: ClinVar variation 450173 (VCV000450173.2), dbSNP rs1554217476, ClinGen allele CA658657611.
Genomic context (GRCh38, chr6:129,098,135, plus strand): 5'-TGAAATAAAATCTACTGTAGCATTTAGACTTATATTTGACATAAAATGATGAGAATATTT[GGGAATTCAATGTTATTGTTGTTGTTATACTTCCCTA>G]GGTGTTCCAGATCGCGTATGTGATTGTGAAGGCAGCTAACTCCCCCCGGCCTGGAAACTG-3'